The following is an entry in ClinVar:

NM_015215.4(CAMTA1):c.4061G>C (p.Arg1354Pro)

Genes: CAMTA1 (calmodulin binding transcription activator 1; plus strand), LOC126805603 (CDK7 strongly-dependent group 2 enhancer GRCh37_chr1:7798026-7799225; plus strand). Cytogenetic location: 1p36.23.
Variant type: single nucleotide variant.
Coding change: c.4061G>C on transcript NM_015215.4 (MANE Select); coding-DNA position 4061, G replaced by C.
Protein change: p.Arg1354Pro; replaces arginine 1354 with proline.
Molecular consequence: missense variant.
Genome position (GRCh38, 1-based): chr1:7,738,361, G>C. VCF-style: chr1-7738361-G-C. GRCh37 (hg19) VCF-style: chr1-7798421-G-C.
Other names: c.3971G>C, p.Arg1324Pro (NM_001349608.2); c.3722G>C, p.Arg1241Pro (NM_001349609.2, NM_001349610.2, NM_001410737.1); c.3632G>C, p.Arg1211Pro (NM_001349612.2); c.1190G>C, p.Arg397Pro (NM_001349613.1); c.1133G>C, p.Arg378Pro (NM_001349614.1, NM_001349615.2, NM_001349616.2 and 2 more transcripts); c.794G>C, p.Arg265Pro (NM_001349619.2, NM_001349620.1, NM_001349621.1 and 5 more transcripts); c.3650G>C, p.Arg1217Pro (NM_001410738.1); c.4061G>C (NM_015215.2); short protein forms R1211P, R1217P, R1241P, R1324P, R1354P, R265P, R378P, R397P.
Identifiers: ClinVar variation 3233779 (VCV003233779.4), dbSNP rs752632950, ClinGen allele CA338134825.
Genomic context (GRCh38, chr1:7,738,361, plus strand): 5'-AGGTGACTGGAAATCCGAAGGGGACCAGTGTAGGAAAGGAGGCAGCACCTTCACAGGTGC[G>C]TCCACGGGAACCAATGAGTGTCCTGATGATGGCTAACAGAGAGGTGGTGAATACAGAGCT-3'
Protein context (NP_056030.1, residues 1344-1364): VGKEAAPSQV[Arg1354Pro]PREPMSVLMM

ClinVar aggregate classification (germline): Uncertain significance. Review status: criteria provided, multiple submitters, no conflicts (2 of 4 stars). 2 submissions from 2 submitters: Uncertain significance (2). Last evaluated 2025-06-03.

Conditions:
Inborn genetic diseases. Identifiers: MedGen C0950123, MeSH D030342.

gnomAD v4.1: 14 of 1,614,070 alleles (0.00087%); highest among the groups gnomAD compares: Non-Finnish European, 0.0012%; no homozygotes.

Submissions (2):

Women's Health and Genetics/Laboratory Corporation of America, LabCorp
Classification: Uncertain significance. Last evaluated: 2025-06-03. Review status: criteria provided, single submitter. Criteria: LabCorp Variant Classification Summary - May 2015. Collection method: clinical testing. Allele origin: germline.
Comment: Variant summary: CAMTA1 c.4061G>C (p.Arg1354Pro) results in a non-conservative amino acid change in the encoded protein sequence. Algorithms developed to predict the effect of missense changes on protein structure and function are either unavailable or do not agree on the potential impact of this missense change. The variant was absent in 251136 control chromosomes. The available data on variant occurrences in the general population are insufficient to allow any conclusion about variant significance. To our knowledge, no occurrence of c.4061G>C in individuals affected with Cerebellar Dysfunction With Variable Cognitive And Behavioral Abnormalities and no experimental evidence demonstrating its impact on protein function have been reported. ClinVar contains an entry for this variant (Variation ID: 3233779). Based on the evidence outlined above, the variant was classified as uncertain significance.

Ambry Genetics
Classification: Uncertain significance for Inborn genetic diseases. Last evaluated: 2024-10-24. Review status: criteria provided, single submitter. Criteria: Ambry Variant Classification Scheme 2023. Collection method: clinical testing. Allele origin: germline.